The following is an entry in ClinVar:

NM_001626.6(AKT2):c.301C>T (p.Arg101Trp)

Gene: AKT2 (AKT serine/threonine kinase 2; minus strand). Cytogenetic location: 19q13.2.
Variant type: single nucleotide variant.
Coding change: c.301C>T on transcript NM_001626.6 (MANE Select); coding-DNA position 301, C replaced by T.
Protein change: p.Arg101Trp; replaces arginine 101 with tryptophan.
Molecular consequence: missense variant.
Genome position (GRCh38, 1-based): chr19:40,242,674, G>A on the plus strand (C>T on the coding strand, the complement: AKT2 is on the minus strand). VCF-style: chr19-40242674-G-A. GRCh37 (hg19) VCF-style: chr19-40748581-G-A.
Other names: c.115C>T, p.Arg39Trp (NM_001243027.3, NM_001243028.3); c.301C>T, p.Arg101Trp (NM_001330511.1); short protein forms R101W, R39W.
Identifiers: ClinVar variation 3748444 (VCV003748444.1).

ClinVar aggregate classification (germline): Uncertain significance (1 of 4 stars; one submission).

Conditions:
Hypoinsulinemic hypoglycemia and body hemihypertrophy. Also called: Hypoinsulinemic hypoglycemia and hemihypertrophy. Identifiers: Orphanet 293964, MedGen C3278384, MONDO:0009416, OMIM 240900.
Type 2 diabetes mellitus. Also called: Type II diabetes mellitus. Identifiers: MedGen C0011860, MeSH D003924, MONDO:0005148, OMIM 125853, HP:0005978.

gnomAD v4.1: 83 of 1,611,184 alleles (0.0052%); highest among the groups gnomAD compares: Admixed American, 0.0067%; no homozygotes.

Submission:

Labcorp Genetics (formerly Invitae), Labcorp
Classification: Uncertain significance for Hypoinsulinemic hypoglycemia and body hemihypertrophy; Type 2 diabetes mellitus. Last evaluated: 2024-12-05. Review status: criteria provided, single submitter. Criteria: Invitae Variant Classification Sherloc (09022015). Collection method: clinical testing. Allele origin: germline.
Comment: This sequence change replaces arginine, which is basic and polar, with tryptophan, which is neutral and slightly polar, at codon 101 of the AKT2 protein (p.Arg101Trp). This variant is present in population databases (rs761956794, gnomAD 0.01%). This variant has not been reported in the literature in individuals affected with AKT2-related conditions. An algorithm developed to predict the effect of missense changes on protein structure and function (PolyPhen-2) suggests that this variant¬¨‚Ä†is likely to be tolerated. In summary, the available evidence is currently insufficient to determine the role of this variant in disease. Therefore, it has been classified as a Variant of Uncertain Significance.